The following is an entry in ClinVar:

ClinVar aggregate classification (germline): Uncertain significance (1 of 4 stars; one submission).

Allele frequency attached by ClinVar (database versions not stated): TOPMed below 0.00001.

Submission:

Labcorp Genetics (formerly Invitae), Labcorp
Classification: Uncertain significance. Last evaluated: 2025-08-18. Review status: criteria provided, single submitter. Criteria: Invitae Variant Classification Sherloc (09022015). Collection method: clinical testing. Allele origin: germline.
Comment: This sequence change replaces serine, which is neutral and polar, with isoleucine, which is neutral and non-polar, at codon 166 of the CHMP1A protein (p.Ser166Ile). This variant is not present in population databases (gnomAD no frequency). This variant has not been reported in the literature in individuals affected with CHMP1A-related conditions. ClinVar contains an entry for this variant (Variation ID: 1378656). An algorithm developed to predict the effect of missense changes on protein structure and function (PolyPhen-2) suggests that this variant is likely to be tolerated. In summary, the available evidence is currently insufficient to determine the role of this variant in disease. Therefore, it has been classified as a Variant of Uncertain Significance.

NM_002768.5(CHMP1A):c.497G>T (p.Ser166Ile)

Gene: CHMP1A (charged multivesicular body protein 1A; minus strand). Cytogenetic location: 16q24.3.
Variant type: single nucleotide variant.
Coding change: c.497G>T on transcript NM_002768.5 (MANE Select); coding-DNA position 497, G replaced by T.
Protein change: p.Ser166Ile; replaces serine 166 with isoleucine.
Molecular consequence: missense variant. On other transcripts: non-coding transcript variant (1).
Genome position (GRCh38, 1-based): chr16:89,646,599, C>A on the plus strand (G>T on the coding strand, the complement: CHMP1A is on the minus strand). VCF-style: chr16-89646599-C-A. GRCh37 (hg19) VCF-style: chr16-89713007-C-A.
Other names: c.477G>T, p.Gln159His (NM_001083314.4); short protein forms S166I, Q159H.
Identifiers: ClinVar variation 1378656 (VCV001378656.8), dbSNP rs1242383314, ClinGen allele CA397432120.
Genomic context (GRCh38, chr16:89,646,599, plus strand): 5'-TGGTCCTCCTGGCTGCGCACAGAGCTCTCGCCCACGGCAGAGGCGCCCTCGGGCAGCTGG[C>A]TGAGCTGGTCCAGCACCTCCAGGCCATTCTCCTCGGCGATCTGCATGATGAGGCTGTCCA-3'
Protein context (NP_002759.2, residues 156-176): ENGLEVLDQL[Ser166Ile]QLPEGASAVG